The following is an entry in ClinVar:

NM_031935.3(HMCN1):c.1576C>T (p.Pro526Ser)

Gene: HMCN1 (hemicentin 1; plus strand). Cytogenetic location: 1q31.1.
Variant type: single nucleotide variant.
Coding change: c.1576C>T on transcript NM_031935.3 (MANE Select); coding-DNA position 1576, C replaced by T.
Protein change: p.Pro526Ser; replaces proline 526 with serine.
Molecular consequence: missense variant.
Genome position (GRCh38, 1-based): chr1:185,933,572, C>T. VCF-style: chr1-185933572-C-T. GRCh37 (hg19) VCF-style: chr1-185902704-C-T.
Other names: short protein forms P526S.
Identifiers: ClinVar variation 2120428 (VCV002120428.4), dbSNP rs2527153834, ClinGen allele CA343866688.
Genomic context (GRCh38, chr1:185,933,572, plus strand): 5'-TTAGGTCTCTTGATTTGAATTTTTTGATTTCACACAGAGCCCCCTCCGGTCATCCAAGTG[C>T]CTAACAATGTTACAGTCACTCCTGGAGAGAGAGCAGTTTTAACATGTCTCATCATCAGTG-3'
Protein context (NP_114141.2, residues 516-536): VSEPPPVIQV[Pro526Ser]NNVTVTPGER

ClinVar aggregate classification (germline): Uncertain significance (1 of 4 stars; one submission).

Submission:

Labcorp Genetics (formerly Invitae), Labcorp
Classification: Uncertain significance. Last evaluated: 2022-11-12. Review status: criteria provided, single submitter. Criteria: Invitae Variant Classification Sherloc (09022015). Collection method: clinical testing. Allele origin: germline.
Comment: This sequence change replaces proline, which is neutral and non-polar, with serine, which is neutral and polar, at codon 526 of the HMCN1 protein (p.Pro526Ser). This variant is not present in population databases (gnomAD no frequency). This variant has not been reported in the literature in individuals affected with HMCN1-related conditions. Algorithms developed to predict the effect of missense changes on protein structure and function are either unavailable or do not agree on the potential impact of this missense change (SIFT: "Deleterious"; PolyPhen-2: "Possibly Damaging"; Align-GVGD: "Class C0"). In summary, the available evidence is currently insufficient to determine the role of this variant in disease. Therefore, it has been classified as a Variant of Uncertain Significance.